The following is an entry in ClinVar:

ClinVar aggregate classification (germline): Conflicting classifications of pathogenicity. Review status: criteria provided, conflicting classifications (1 of 4 stars). 6 submissions from 5 submitters: Uncertain significance (2); Likely benign (4). Last evaluated 2025-07-16.

Conditions:
MYO6-related disorder. Also called: MYO6-related condition; MYO6-related disorders.
Autosomal dominant nonsyndromic hearing loss 22. Also called: DFNA 22; Autosomal dominant nonsyndromic deafness 22. Identifiers: Orphanet 228012, MedGen C2931767, MONDO:0011660, OMIM 606346.
Autosomal recessive nonsyndromic hearing loss 37. Identifiers: Orphanet 90636, MedGen C1843028, MONDO:0011912, OMIM 607821.

Allele frequency attached by ClinVar (database versions not stated): ExAC 0.00002; gnomAD exomes 0.00005 and 0.00014; gnomAD 0.00010 and 0.00012; TOPMed 0.00010.
gnomAD v4.1: 217 of 1,613,942 alleles (0.013%); highest among the groups gnomAD compares: Non-Finnish European, 0.018%; no homozygotes.

Submissions (6):

Labcorp Genetics (formerly Invitae), Labcorp
Classification: Likely benign. Last evaluated: 2025-07-16. Review status: criteria provided, single submitter. Criteria: Invitae Variant Classification Sherloc (09022015). Collection method: clinical testing. Allele origin: germline.

PreventionGenetics, part of Exact Sciences
Classification: Likely benign for MYO6-related condition. Last evaluated: 2025-03-12. Review status: criteria provided, single submitter. Criteria: ACMG Guidelines, 2015. Collection method: clinical testing. Allele origin: germline.
Comment: This variant is classified as likely benign based on ACMG/AMP sequence variant interpretation guidelines (Richards et al. 2015 PMID: 25741868, with internal and published modifications).

GeneDx
Classification: Likely benign. Last evaluated: 2021-01-11. Review status: criteria provided, single submitter. Criteria: GeneDx Variant Classification Process June 2021. Collection method: clinical testing. Allele origin: germline. Affected: yes.

Illumina Laboratory Services, Illumina
Classification: Uncertain significance for Autosomal dominant nonsyndromic hearing loss 22. Last evaluated: 2018-01-13. Review status: criteria provided, single submitter. Criteria: ICSL Variant Classification Criteria 13 December 2019. Collection method: clinical testing. Allele origin: germline.

Illumina Laboratory Services, Illumina
Classification: Uncertain significance for Autosomal recessive nonsyndromic hearing loss 37. Last evaluated: 2018-01-13. Review status: criteria provided, single submitter. Criteria: ICSL Variant Classification Criteria 13 December 2019. Collection method: clinical testing. Allele origin: germline.

Laboratory for Molecular Medicine, Mass General Brigham Personalized Medicine
Classification: Likely benign. Last evaluated: 2014-11-20. Review status: criteria provided, single submitter. Criteria: LMM Criteria. Collection method: clinical testing. Allele origin: germline. Observed: 1 variant allele.
Comment: p.Ile147Ile in exon 6 of MYO6: This variant is not expected to have clinical si gnificance because it does not alter an amino acid residue and is not located wi thin the splice consensus sequence.

NM_004999.4(MYO6):c.441C>T (p.Ile147=)

Gene: MYO6 (myosin VI; plus strand). Cytogenetic location: 6q14.1.
Variant type: single nucleotide variant.
Coding change: c.441C>T on transcript NM_004999.4 (MANE Select); coding-DNA position 441, C replaced by T.
Protein change: p.Ile147=; no amino-acid change (isoleucine 147 retained).
Molecular consequence: synonymous variant. On other transcripts: non-coding transcript variant (2).
Genome position (GRCh38, 1-based): chr6:75,832,891, C>T. VCF-style: chr6-75832891-C-T. GRCh37 (hg19) VCF-style: chr6-76542608-C-T.
Other names: c.441C>T, p.Ile147= (NM_001300899.2, NM_001368136.1, NM_001368137.1 and 5 more transcripts).
Identifiers: ClinVar variation 180087 (VCV000180087.18), dbSNP rs565770950, ClinGen allele CA185781.